The following is an entry in ClinVar:

ClinVar aggregate classification (germline): Likely benign. Review status: criteria provided, multiple submitters, no conflicts (2 of 4 stars). 2 submissions from 2 submitters: Likely benign (2). Last evaluated 2025-01-27.

Conditions:
Lynch syndrome 4 (LYNCH4). Also called: Hereditary non-polyposis colorectal cancer, type 4; Colorectal cancer, hereditary nonpolyposis, type 4. Identifiers: Orphanet 144, MedGen C1838333, MONDO:0013699, OMIM 614337. Disease mechanism: loss of function.
Hereditary nonpolyposis colorectal neoplasms. Identifiers: MedGen C0009405, MeSH D003123.

Allele frequency attached by ClinVar (database versions not stated): 1000 Genomes Project 30x 0.00016; gnomAD 0.00001; gnomAD exomes 0.00001 and below 0.00001; 1000 Genomes Project 0.00020; ExAC 0.00001.
gnomAD v4.1: 3 of 1,596,530 alleles (0.00019%); highest among the groups gnomAD compares: Middle Eastern, 0.017%; no homozygotes.

Submissions (2):

Myriad Genetics, Inc.
Classification: Likely benign for Lynch syndrome 4. Last evaluated: 2025-01-27. Review status: criteria provided, single submitter. Criteria: Myriad Autosomal Dominant, Autosomal Recessive and X-Linked Classification Criteria (2023). Collection method: clinical testing. Allele origin: unknown.
Comment: This variant is considered likely benign. This variant is intronic and is not expected to impact mRNA splicing.

Labcorp Genetics (formerly Invitae), Labcorp
Classification: Likely benign for Hereditary nonpolyposis colorectal neoplasms. Last evaluated: 2025-01-15. Review status: criteria provided, single submitter. Criteria: Invitae Variant Classification Sherloc (09022015). Collection method: clinical testing. Allele origin: germline.

NM_000535.7(PMS2):c.538-20T>C

Gene: PMS2 (PMS1 homolog 2, mismatch repair system component; minus strand). Cytogenetic location: 7p22.1.
Variant type: single nucleotide variant.
Coding change: c.538-20T>C on transcript NM_000535.7 (MANE Select); 20 bases into the intron before coding-DNA position 538, T replaced by C.
Molecular consequence: intron variant.
Genome position (GRCh38, 1-based): chr7:5,999,295, A>G on the plus strand (T>C on the coding strand, the complement: PMS2 is on the minus strand). VCF-style: chr7-5999295-A-G. GRCh37 (hg19) VCF-style: chr7-6038926-A-G.
Other names: c.220-20T>C (NM_001322008.2, NM_001322007.2); c.133-20T>C (NM_001322010.2, NM_001322004.2, NM_001322003.2 and 2 more transcripts); c.133-1872T>C (NM_001322013.2); c.-347-69T>C (NM_001322012.2, NM_001322011.2); c.229-20T>C (NM_001322015.2); c.538-20T>C (NM_001322006.2, NM_001322014.2).
Identifiers: ClinVar variation 1672550 (VCV001672550.9), dbSNP rs200792426, ClinGen allele CA050202.
Genomic context (GRCh38, chr7:5,999,295, plus strand): 5'-ATACAGTATGCATGTAAGACCTGGACCATTTTGGCATACTCCTGTTTAAAAAACACAAAC[A>G]CAATATTCTACATTACTTTAATATTATAGGAATTACACAGCTCAAGTTACAACATCCAAC-3'